The following is an entry in ClinVar:

NM_006218.4(PIK3CA):c.1060A>G (p.Ile354Val)

Gene: PIK3CA (phosphatidylinositol-4,5-bisphosphate 3-kinase catalytic subunit alpha; plus strand). Cytogenetic location: 3q26.32.
Variant type: single nucleotide variant.
Coding change: c.1060A>G on transcript NM_006218.4 (MANE Select); coding-DNA position 1060, A replaced by G.
Protein change: p.Ile354Val; replaces isoleucine 354 with valine.
Molecular consequence: missense variant.
Genome position (GRCh38, 1-based): chr3:179,204,503, A>G. VCF-style: chr3-179204503-A-G. GRCh37 (hg19) VCF-style: chr3-178922291-A-G.
Other names: short protein forms I354V.
Identifiers: ClinVar variation 3225324 (VCV003225324.1), dbSNP rs1249433928, ClinGen allele CA355282612.

ClinVar aggregate classification (germline): Uncertain significance (1 of 4 stars; one submission).

Conditions:
Inborn genetic diseases. Identifiers: MedGen C0950123, MeSH D030342.

Allele frequency attached by ClinVar (database versions not stated): TOPMed below 0.00001.

Submission:

Ambry Genetics
Classification: Uncertain significance for Inborn genetic diseases. Last evaluated: 2024-03-09. Review status: criteria provided, single submitter. Criteria: Ambry Variant Classification Scheme 2023. Collection method: clinical testing. Allele origin: germline.
Comment: The p.I354V variant (also known as c.1060A>G) is located in coding exon 5 of the PIK3CA gene. The isoleucine at codon 354 is replaced by valine, an amino acid with highly similar properties. This change occurs in the first base pair of coding exon 5. This amino acid position is conserved. In addition, this alteration is predicted to be tolerated by in silico analysis. Based on the available evidence, the clinical significance of this alteration remains unclear.